The following is an entry in ClinVar:

NM_001184880.2(PCDH19):c.2974G>A (p.Ala992Thr)

Gene: PCDH19 (protocadherin 19; minus strand). Cytogenetic location: Xq22.1.
Variant type: single nucleotide variant.
Coding change: c.2974G>A on transcript NM_001184880.2 (MANE Select); coding-DNA position 2974, G replaced by A.
Protein change: p.Ala992Thr; replaces alanine 992 with threonine.
Molecular consequence: missense variant.
Genome position (GRCh38, 1-based): chrX:100,296,750, C>T on the plus strand (G>A on the coding strand, the complement: PCDH19 is on the minus strand). VCF-style: chrX-100296750-C-T. GRCh37 (hg19) VCF-style: chrX-99551748-C-T.
Other names: c.2833G>A, p.Ala945Thr (NM_001105243.2); c.2830G>A, p.Ala944Thr (NM_020766.3); short protein forms A945T, A944T, A992T.
Identifiers: ClinVar variation 2730269 (VCV002730269.3), dbSNP rs745510287, ClinGen allele CA10468685.

ClinVar aggregate classification (germline): Uncertain significance (1 of 4 stars; one submission).

Conditions:
Developmental and epileptic encephalopathy, 9 (DEE9). Also called: Early infantile epileptic encephalopathy 9; JUBERG-HELLMAN SYNDROME; PCDH19-Related X-Linked Female-Limited Epilepsy with Mental Retardation; EPILEPSY, FEMALE-RESTRICTED, WITH MENTAL RETARDATION. Identifiers: Orphanet 101039, Orphanet 2076, MedGen C1848137, MONDO:0010246, OMIM 300088. Disease mechanism: loss of function.

Allele frequency attached by ClinVar (database versions not stated): ExAC 0.00001.
gnomAD v4.1: 23 of 1,211,035 alleles (0.0019%); highest among the groups gnomAD compares: South Asian, 0.0053%; no homozygotes.

Submission:

Labcorp Genetics (formerly Invitae), Labcorp
Classification: Uncertain significance for Developmental and epileptic encephalopathy, 9. Last evaluated: 2023-05-01. Review status: criteria provided, single submitter. Criteria: Invitae Variant Classification Sherloc (09022015). Collection method: clinical testing. Allele origin: germline.
Comment: This missense change has been observed in individual(s) with clinical features of PCDH19-related conditions (PMID: 27029629). Advanced modeling of protein sequence and biophysical properties (such as structural, functional, and spatial information, amino acid conservation, physicochemical variation, residue mobility, and thermodynamic stability) performed at Invitae indicates that this missense variant is not expected to disrupt PCDH19 protein function. This variant is present in population databases (rs745510287, gnomAD 0.006%). This sequence change replaces alanine, which is neutral and non-polar, with threonine, which is neutral and polar, at codon 992 of the PCDH19 protein (p.Ala992Thr). In summary, the available evidence is currently insufficient to determine the role of this variant in disease. Therefore, it has been classified as a Variant of Uncertain Significance.

Literature cited by the submitters: PubMed 27029629.